The following is an entry in ClinVar:

NM_004525.3(LRP2):c.10776C>A (p.His3592Gln)

Gene: LRP2 (LDL receptor related protein 2; minus strand). Cytogenetic location: 2q31.1.
Variant type: single nucleotide variant.
Coding change: c.10776C>A on transcript NM_004525.3 (MANE Select); coding-DNA position 10776, C replaced by A.
Protein change: p.His3592Gln; replaces histidine 3592 with glutamine.
Molecular consequence: missense variant.
Genome position (GRCh38, 1-based): chr2:169,174,157, G>T on the plus strand (C>A on the coding strand, the complement: LRP2 is on the minus strand). VCF-style: chr2-169174157-G-T. GRCh37 (hg19) VCF-style: chr2-170030667-G-T.
Other names: short protein forms H3592Q.
Identifiers: ClinVar variation 1059997 (VCV001059997.10), dbSNP rs1687103236, ClinGen allele CA349145419.

ClinVar aggregate classification (germline): Uncertain significance. Review status: criteria provided, multiple submitters, no conflicts (2 of 4 stars). 2 submissions from 2 submitters: Uncertain significance (2). Last evaluated 2022-07-26.

Allele frequency attached by ClinVar (database versions not stated): TOPMed below 0.00001.
gnomAD v4.1: 3 of 1,614,240 alleles (0.00019%); highest among the groups gnomAD compares: African/African-American, 0.004%; no homozygotes.

Submissions (2):

Labcorp Genetics (formerly Invitae), Labcorp
Classification: Uncertain significance. Last evaluated: 2022-07-26. Review status: criteria provided, single submitter. Criteria: Invitae Variant Classification Sherloc (09022015). Collection method: clinical testing. Allele origin: germline.
Comment: This sequence change replaces histidine, which is basic and polar, with glutamine, which is neutral and polar, at codon 3592 of the LRP2 protein (p.His3592Gln). This variant is not present in population databases (gnomAD no frequency). This variant has not been reported in the literature in individuals affected with LRP2-related conditions. ClinVar contains an entry for this variant (Variation ID: 1059997). Algorithms developed to predict the effect of missense changes on protein structure and function are either unavailable or do not agree on the potential impact of this missense change (SIFT: "Tolerated"; PolyPhen-2: "Probably Damaging"; Align-GVGD: "Class C0"). In summary, the available evidence is currently insufficient to determine the role of this variant in disease. Therefore, it has been classified as a Variant of Uncertain Significance.

Blueprint Genetics
Classification: Uncertain significance. Last evaluated: 2020-05-12. Review status: criteria provided, single submitter. Criteria: ACMG Guidelines, 2015. Collection method: clinical testing. Allele origin: germline.